The following is an entry in ClinVar:

ClinVar aggregate classification (germline): Uncertain significance (1 of 4 stars; one submission).

Conditions:
Inborn genetic diseases. Identifiers: MedGen C0950123, MeSH D030342.

gnomAD v4.1: 4 of 1,608,252 alleles (0.00025%); highest among the groups gnomAD compares: Non-Finnish European, 0.00034%; no homozygotes.

Submission:

Ambry Genetics
Classification: Uncertain significance for Inborn genetic diseases. Last evaluated: 2025-10-28. Review status: criteria provided, single submitter. Criteria: Ambry Variant Classification Scheme 2023. Collection method: clinical testing. Allele origin: germline.
Comment: The p.G359E variant (also known as c.1076G>A), located in coding exon 6 of the FANCM gene, results from a G to A substitution at nucleotide position 1076. The glycine at codon 359 is replaced by glutamic acid, an amino acid with similar properties. This amino acid position is conserved. In addition, the in silico prediction for this alteration is inconclusive. Based on the available evidence, the clinical significance of this variant remains unclear.

NM_020937.4(FANCM):c.1076G>A (p.Gly359Glu)

Gene: FANCM (FA complementation group M; plus strand). Cytogenetic location: 14q21.2.
Variant type: single nucleotide variant.
Coding change: c.1076G>A on transcript NM_020937.4 (MANE Select); coding-DNA position 1076, G replaced by A.
Protein change: p.Gly359Glu; replaces glycine 359 with glutamic acid.
Molecular consequence: missense variant.
Genome position (GRCh38, 1-based): chr14:45,153,945, G>A. VCF-style: chr14-45153945-G-A. GRCh37 (hg19) VCF-style: chr14-45623148-G-A.
Other names: c.1076G>A, p.Gly359Glu (NM_001308134.2); c.998G>A, p.Gly333Glu (NM_001308133.2); short protein forms G359E, G333E.
Identifiers: ClinVar variation 4619534 (VCV004619534.1).